The following is an entry in ClinVar:

ClinVar aggregate classification (germline): Uncertain significance (1 of 4 stars; one submission).

Allele frequency attached by ClinVar (database versions not stated): gnomAD exomes below 0.00001; gnomAD 0.00001; TOPMed 0.00002.
gnomAD v4.1: 6 of 1,614,020 alleles (0.00037%); highest among the groups gnomAD compares: Admixed American, 0.0017%; no homozygotes.

Submission:

Labcorp Genetics (formerly Invitae), Labcorp
Classification: Uncertain significance. Last evaluated: 2024-12-23. Review status: criteria provided, single submitter. Criteria: Invitae Variant Classification Sherloc (09022015). Collection method: clinical testing. Allele origin: germline.
Comment: This sequence change replaces glycine, which is neutral and non-polar, with arginine, which is basic and polar, at codon 4741 of the HMCN1 protein (p.Gly4741Arg). This variant is present in population databases (no rsID available, gnomAD 0.003%). This variant has not been reported in the literature in individuals affected with HMCN1-related conditions. ClinVar contains an entry for this variant (Variation ID: 3004614). An algorithm developed to predict the effect of missense changes on protein structure and function (PolyPhen-2) suggests that this variant is likely to be disruptive. In summary, the available evidence is currently insufficient to determine the role of this variant in disease. Therefore, it has been classified as a Variant of Uncertain Significance.

NM_031935.3(HMCN1):c.14221G>A (p.Gly4741Arg)

Gene: HMCN1 (hemicentin 1; plus strand). Cytogenetic location: 1q31.1.
Variant type: single nucleotide variant.
Coding change: c.14221G>A on transcript NM_031935.3 (MANE Select); coding-DNA position 14221, G replaced by A.
Protein change: p.Gly4741Arg; replaces glycine 4741 with arginine.
Molecular consequence: missense variant.
Genome position (GRCh38, 1-based): chr1:186,144,658, G>A. VCF-style: chr1-186144658-G-A. GRCh37 (hg19) VCF-style: chr1-186113790-G-A.
Other names: short protein forms G4741R.
Identifiers: ClinVar variation 3004614 (VCV003004614.3), dbSNP rs1289597890, ClinGen allele CA343915488.
Genomic context (GRCh38, chr1:186,144,658, plus strand): 5'-AGACAGAGAACAAGGGGCTGCTCCGACCCTGTGCCCCAGTATGGAGGAAGGAAATGCGAA[G>A]GGAGTGATGTCCAGAGTGATTTTTGCAACAGTGACCCTTGCCCAAGTGAGTGTTGGAAAT-3'
Protein context (NP_114141.2, residues 4731-4751): VPQYGGRKCE[Gly4741Arg]SDVQSDFCNS